The following is an entry in ClinVar:

NM_007294.4(BRCA1):c.2392C>A (p.Pro798Thr)

Gene: BRCA1 (BRCA1 DNA repair associated; minus strand). Cytogenetic location: 17q21.31.
Variant type: single nucleotide variant.
Coding change: c.2392C>A on transcript NM_007294.4 (MANE Select); coding-DNA position 2392, C replaced by A.
Protein change: p.Pro798Thr; replaces proline 798 with threonine.
Molecular consequence: missense variant. On other transcripts: intron variant (137).
Genome position (GRCh38, 1-based): chr17:43,093,139, G>T on the plus strand (C>A on the coding strand, the complement: BRCA1 is on the minus strand). VCF-style: chr17-43093139-G-T. GRCh37 (hg19) VCF-style: chr17-41245156-G-T.
Other names: c.2251C>A, p.Pro751Thr (NM_001407735.1, NM_001407736.1, NM_001407737.1 and 29 more transcripts); c.2248C>A, p.Pro750Thr (NM_001407740.1, NM_001407741.1, NM_001407742.1 and 20 more transcripts); c.2179C>A, p.Pro727Thr (NM_001407853.1, NM_001407894.1, NM_001407895.1 and 9 more transcripts); c.2392C>A, p.Pro798Thr (NM_001407854.1, NM_001407858.1, NM_001407859.1 and 30 more transcripts); c.2389C>A, p.Pro797Thr (NM_001407860.1, NM_001407861.1, NM_001407587.1 and 22 more transcripts); c.2191C>A, p.Pro731Thr (NM_001407862.1); c.2269C>A, p.Pro757Thr (NM_001407863.1, NM_001407919.1, NM_001407937.1 and 19 more transcripts); c.2188C>A, p.Pro730Thr (NM_001407874.1, NM_001407875.1); and 41 more; short protein forms P798T, P751T, P630T, P686T, P687T, P727T, P750T, P757T.
Identifiers: ClinVar variation 485383 (VCV000485383.9), dbSNP rs398122658, ClinGen allele CA10597225.
Genomic context (GRCh38, chr17:43,093,139, plus strand): 5'-AACCATGAATTAGTCCCTTGGGGTTTTCAAATGCTGCACACTGACTCACACATTTATTTG[G>T]TTCTGTTTTTGCCTTCCCTAGAGTGCTAACTTCCAGTAACGAGATACTTTCCTGAGTGCC-3'
Protein context (NP_009225.1, residues 788-808): VSTLGKAKTE[Pro798Thr]NKCVSQCAAF

ClinVar aggregate classification (germline): Conflicting classifications of pathogenicity. Review status: criteria provided, conflicting classifications (1 of 4 stars). 2 submissions from 2 submitters: Uncertain significance (1); Likely benign (1). Last evaluated 2025-08-29.

Conditions:
Hereditary cancer-predisposing syndrome. Also called: Neoplastic Syndromes, Hereditary; Tumor predisposition; Hereditary Cancer Syndrome; Hereditary neoplastic syndrome. Identifiers: Orphanet 140162, MedGen C0027672, MeSH D009386, MONDO:0015356.

Submissions (2):

Ambry Genetics
Classification: Uncertain significance for Hereditary cancer-predisposing syndrome. Last evaluated: 2025-08-29. Review status: criteria provided, single submitter. Criteria: Ambry Variant Classification Scheme 2023. Collection method: clinical testing. Allele origin: germline.
Comment: The p.P798T variant (also known as c.2392C>A), located in coding exon 9 of the BRCA1 gene, results from a C to A substitution at nucleotide position 2392. The proline at codon 798 is replaced by threonine, an amino acid with highly similar properties. This amino acid position is poorly conserved in available vertebrate species. In addition, the in silico prediction for this alteration is inconclusive. Since supporting evidence is limited at this time, the clinical significance of this alteration remains unclear.

University of Washington Department of Laboratory Medicine, University of Washington
Classification: Likely benign for Hereditary cancer-predisposing syndrome. Last evaluated: 2023-03-23. Review status: criteria provided, single submitter. Criteria: Dines et al. (Genet Med. 2020). Collection method: curation. Allele origin: germline.
Comment: Missense variant in a coldspot region where missense variants are very unlikely to be pathogenic (PMID:31911673).

BRCA1 coldspot (exon 11 using historical exon numbering). Reclassification based on statistical prior probability